The following is an entry in ClinVar:

NM_001849.4(COL6A2):c.900G>A (p.Lys300=)

Gene: COL6A2 (collagen type VI alpha 2 chain; plus strand). Cytogenetic location: 21q22.3.
Variant type: single nucleotide variant.
Coding change: c.900G>A on transcript NM_001849.4 (MANE Select); coding-DNA position 900, G replaced by A.
Protein change: p.Lys300=; no amino-acid change (lysine 300 retained).
Molecular consequence: synonymous variant.
Genome position (GRCh38, 1-based): chr21:46,116,053, G>A. VCF-style: chr21-46116053-G-A. GRCh37 (hg19) VCF-style: chr21-47535967-G-A.
Other names: c.900G>A, p.Lys300= (NM_058174.3, NM_058175.3).
Identifiers: ClinVar variation 2148563 (VCV002148563.4), dbSNP rs774276521, ClinGen allele CA10071519.
Genomic context (GRCh38, chr21:46,116,053, plus strand): 5'-GCGTTGTCCTTCACAGGGAGACCCGGGCATCGAAGGCCCCATTGGATTCCCAGGACCCAA[G>A]GTGAGTGACCTCGGCCAGGGGCTTGGCTCCACCCTGAGGCCCCAGCACTGCCAGGCAGGC-3'
Protein context (NP_001840.3, residues 290-310): IEGPIGFPGP[Lys300=]GVPGFKGEKG

ClinVar aggregate classification (germline): Uncertain significance (1 of 4 stars; one submission).

Conditions:
Bethlem myopathy 1A. Also called: Bethlem Muscular Dystrophy; Bethlem myopathy 1; MYOPATHY, BENIGN CONGENITAL, WITH CONTRACTURES. Identifiers: Orphanet 610, MedGen CN029274, MONDO:0024530, OMIM 158810.

Allele frequency attached by ClinVar (database versions not stated): gnomAD exomes 0.00001; ExAC 0.00004.
gnomAD v4.1: 8 of 1,587,008 alleles (0.0005%); highest among the groups gnomAD compares: African/African-American, 0.0013%; no homozygotes.

Submission:

Labcorp Genetics (formerly Invitae), Labcorp
Classification: Uncertain significance for Bethlem myopathy 1A. Last evaluated: 2025-07-09. Review status: criteria provided, single submitter. Criteria: Invitae Variant Classification Sherloc (09022015). Collection method: clinical testing. Allele origin: germline.
Comment: This sequence change affects codon 300 of the COL6A2 mRNA. It is a 'silent' change, meaning that it does not change the encoded amino acid sequence of the COL6A2 protein. This variant also falls at the last nucleotide of exon 7, which is part of the consensus splice site for this exon. This variant is present in population databases (rs774276521, gnomAD 0.005%). This variant has not been reported in the literature in individuals affected with COL6A2-related conditions. ClinVar contains an entry for this variant (Variation ID: 2148563). Variants that disrupt the consensus splice site are a relatively common cause of aberrant splicing (PMID: 17576681, 9536098). Algorithms developed to predict the effect of sequence changes on RNA splicing suggest that this variant is not likely to affect RNA splicing. In summary, the available evidence is currently insufficient to determine the role of this variant in disease. Therefore, it has been classified as a Variant of Uncertain Significance.

Literature cited by the submitters: PubMed 17576681; PubMed 9536098.